The following is an entry in ClinVar:

NM_001190787.3(MCIDAS):c.643G>T (p.Ala215Ser)

Gene: MCIDAS (multiciliate differentiation and DNA synthesis associated cell cycle protein; minus strand). Cytogenetic location: 5q11.2.
Variant type: single nucleotide variant.
Coding change: c.643G>T on transcript NM_001190787.3 (MANE Select); coding-DNA position 643, G replaced by T.
Protein change: p.Ala215Ser; replaces alanine 215 with serine.
Molecular consequence: missense variant.
Genome position (GRCh38, 1-based): chr5:55,221,090, C>A on the plus strand (G>T on the coding strand, the complement: MCIDAS is on the minus strand). VCF-style: chr5-55221090-C-A. GRCh37 (hg19) VCF-style: chr5-54516918-C-A.
Other names: short protein forms A215S.
Identifiers: ClinVar variation 525348 (VCV000525348.9), dbSNP rs1554019120, ClinGen allele CA359731591.

ClinVar aggregate classification (germline): Uncertain significance (1 of 4 stars; one submission).

Conditions:
Primary ciliary dyskinesia. Also called: Ciliary dyskinesia. Identifiers: Orphanet 244, MedGen C0008780, MONDO:0016575, HP:0012265.

Allele frequency attached by ClinVar (database versions not stated): gnomAD exomes below 0.00001.

Submission:

Labcorp Genetics (formerly Invitae), Labcorp
Classification: Uncertain significance for Primary ciliary dyskinesia. Last evaluated: 2021-04-02. Review status: criteria provided, single submitter. Criteria: Invitae Variant Classification Sherloc (09022015). Collection method: clinical testing. Allele origin: germline.
Comment: In summary, the available evidence is currently insufficient to determine the role of this variant in disease. Therefore, it has been classified as a Variant of Uncertain Significance. Algorithms developed to predict the effect of missense changes on protein structure and function (SIFT, PolyPhen-2, Align-GVGD) all suggest that this variant is likely to be disruptive, but these predictions have not been confirmed by published functional studies and their clinical significance is uncertain. This variant has not been reported in the literature in individuals with MCIDAS-related disease. This sequence change replaces alanine with serine at codon 215 of the MCIDAS protein (p.Ala215Ser). The alanine residue is highly conserved and there is a moderate physicochemical difference between alanine and serine. While this variant is not present in population databases, the frequency information is unreliable, as metrics indicate poor data quality at this position in the ExAC database.